The following is an entry in ClinVar:

NM_000548.5(TSC2):c.3993T>A (p.Asp1331Glu)

Gene: TSC2 (TSC complex subunit 2; plus strand). Cytogenetic location: 16p13.3.
Variant type: single nucleotide variant.
Coding change: c.3993T>A on transcript NM_000548.5 (MANE Select); coding-DNA position 3993, T replaced by A.
Protein change: p.Asp1331Glu; replaces aspartic acid 1331 with glutamic acid.
Molecular consequence: missense variant.
Genome position (GRCh38, 1-based): chr16:2,083,804, T>A. VCF-style: chr16-2083804-T-A. GRCh37 (hg19) VCF-style: chr16-2133805-T-A.
Other names: c.3792T>A, p.Asp1264Glu (NM_001077183.3); c.3924T>A, p.Asp1308Glu (NM_001114382.3); c.3684T>A, p.Asp1228Glu (NM_001318827.2); c.3648T>A, p.Asp1216Glu (NM_001318829.2); c.3261T>A, p.Asp1087Glu (NM_001318831.2); c.3825T>A, p.Asp1275Glu (NM_001318832.2); c.3795T>A, p.Asp1265Glu (NM_001363528.2); c.3861T>A, p.Asp1287Glu (NM_001370404.1); and 1 more; short protein forms D1331E, D1287E, D1288E, D1264E, D1087E, D1216E, D1228E, D1265E.
Identifiers: ClinVar variation 406131 (VCV000406131.23), dbSNP rs776049462, ClinGen allele CA049880.

ClinVar aggregate classification (germline): Conflicting classifications of pathogenicity. Review status: criteria provided, conflicting classifications (1 of 4 stars). 8 submissions from 8 submitters: Uncertain significance (3); Benign (2); Likely benign (3). Last evaluated 2026-02-11.

Conditions:
Hereditary cancer-predisposing syndrome. Also called: Neoplastic Syndromes, Hereditary; Tumor predisposition; Hereditary Cancer Syndrome; Hereditary neoplastic syndrome. Identifiers: Orphanet 140162, MedGen C0027672, MeSH D009386, MONDO:0015356.
Tuberous sclerosis syndrome (TSC). Also called: Tuberous Sclerosis Complex; Tuberous sclerosis. Identifiers: Orphanet 805, MedGen C0041341, MONDO:0001734.
Tuberous sclerosis 2 (TSC2). Identifiers: Orphanet 805, MedGen C1860707, MONDO:0013199, OMIM 613254.

Allele frequency attached by ClinVar (database versions not stated): TOPMed 0.00001; ExAC 0.00002; gnomAD 0.00002; gnomAD exomes 0.00002 and 0.00004.
gnomAD v4.1: 16 of 1,611,150 alleles (0.00099%); highest among the groups gnomAD compares: Admixed American, 0.02%; no homozygotes.

Submissions (8):

St. Jude Molecular Pathology, St. Jude Children's Research Hospital
Classification: Uncertain significance for Tuberous sclerosis 2. Last evaluated: 2026-02-11. Review status: criteria provided, single submitter. Criteria: St. Jude Assertion Criteria 2020. Collection method: clinical testing. Allele origin: germline.
Comment: The TSC2 c.3993T>A p.(Asp1331Glu) missense change has a maximum subpopulation frequency of 0.03% in gnomAD v2.1.1. The in silico tool REVEL is inconclusive about a pathogenic or benign effect of this variant on protein function, and to our knowledge functional studies have not been performed. To our knowledge, this variant has not been reported in individuals with tuberous sclerosis complex. In summary, the evidence currently available is insufficient to determine the clinical significance of this variant. It has therefore been classified as of uncertain significance.

Labcorp Genetics (formerly Invitae), Labcorp
Classification: Benign for Tuberous sclerosis 2. Last evaluated: 2026-01-09. Review status: criteria provided, single submitter. Criteria: Invitae Variant Classification Sherloc (09022015). Collection method: clinical testing. Allele origin: germline.

All of Us Research Program, National Institutes of Health
Classification: Uncertain significance for Tuberous sclerosis syndrome. Last evaluated: 2024-09-23. Review status: criteria provided, single submitter. Criteria: ACMG Guidelines, 2015. Collection method: clinical testing. Allele origin: germline. Inheritance: Autosomal dominant inheritance. Observed: 10 variant alleles, 10 heterozygotes.
Comment: This missense variant replaces aspartic acid with glutamic acid at codon 1331 of the TSC2 protein. Computational prediction is inconclusive regarding the impact of this variant on protein structure and function (internally defined REVEL score threshold 0.5 < inconclusive < 0.7, PMID: 27666373). To our knowledge, functional studies have not been reported for this variant. This variant has not been reported in individuals affected with tuberous sclerosis complex in the literature. This variant has been identified in 10/276224 chromosomes in the general population by the Genome Aggregation Database (gnomAD). The available evidence is insufficient to determine the role of this variant in disease conclusively. Therefore, this variant is classified as a Variant of Uncertain Significance.

This study involves interpretation of variants in research participants for the purpose of population health screening. Participant phenotype was not available at the time of variant classification. Additional details can be found in publication PMID: 35346344, PMCID: PMC8962531

Blueprint Genetics
Classification: Likely benign. Last evaluated: 2022-08-31. Review status: criteria provided, single submitter. Criteria: ACMG Guidelines, 2015. Collection method: clinical testing. Allele origin: germline.

Sema4
Classification: Uncertain significance for Hereditary cancer-predisposing syndrome. Last evaluated: 2021-12-01. Review status: criteria provided, single submitter. Criteria: Sema4 Curation Guidelines. Collection method: curation. Allele origin: germline.
Comment: The TSC2 c.3993T>A (p.D1331E) variant has not been reported in the literature to our knowledge. It was observed in 9/35026 chromosomes of the Latino subpopulation in the large and broad cohorts of the Genome Aggregation Database (PMID: 32461654). The variant has been reported in ClinVar (Variation ID 406131). Functional studies have not been performed, and in silico predictions of the variant's effect on protein function are inconclusive. The evidence is insufficient to meet ACMG/AMP criteria for classifying the variant as benign or pathogenic. Thus, the clinical significance of this variant is currently uncertain.

Genome-Nilou Lab
Classification: Likely benign for Tuberous sclerosis 2. Last evaluated: 2021-11-07. Review status: criteria provided, single submitter. Criteria: ACMG Guidelines, 2015. Collection method: clinical testing. Allele origin: germline. Affected: no.

Ambry Genetics
Classification: Benign for Hereditary cancer-predisposing syndrome. Last evaluated: 2021-11-04. Review status: criteria provided, single submitter. Criteria: Ambry Variant Classification Scheme 2023. Collection method: clinical testing. Allele origin: germline.

GeneDx
Classification: Likely benign. Last evaluated: 2018-02-20. Review status: criteria provided, single submitter. Criteria: GeneDx Variant Classification (06012015). Collection method: clinical testing. Allele origin: germline. Affected: yes.
Comment: This variant is considered likely benign or benign based on one or more of the following criteria: it is a conservative change, it occurs at a poorly conserved position in the protein, it is predicted to be benign by multiple in silico algorithms, and/or has population frequency not consistent with disease.